The following is an entry in ClinVar:

ClinVar aggregate classification (germline): Uncertain significance (1 of 4 stars; one submission).

Conditions:
Severe combined immunodeficiency due to DNA-PKcs deficiency. Also called: IMMUNODEFICIENCY 26 WITH NEUROLOGIC ABNORMALITIES; Immunodeficiency 26 with or without neurologic abnormalities. Identifiers: Orphanet 317425, MedGen C4014833, MONDO:0014423, OMIM 615966.

Allele frequency attached by ClinVar (database versions not stated): gnomAD exomes below 0.00001 and 0.00002; ExAC 0.00001; TOPMed 0.00001.
gnomAD v4.1: 25 of 1,610,822 alleles (0.0016%); highest among the groups gnomAD compares: Middle Eastern, 0.017%; no homozygotes.

Submission:

Labcorp Genetics (formerly Invitae), Labcorp
Classification: Uncertain significance for Severe combined immunodeficiency due to DNA-PKcs deficiency. Last evaluated: 2022-10-16. Review status: criteria provided, single submitter. Criteria: Invitae Variant Classification Sherloc (09022015). Collection method: clinical testing. Allele origin: germline.
Comment: This sequence change replaces proline, which is neutral and non-polar, with leucine, which is neutral and non-polar, at codon 2604 of the PRKDC protein (p.Pro2604Leu). This variant is present in population databases (rs766376359, gnomAD 0.0009%). This variant has not been reported in the literature in individuals affected with PRKDC-related conditions. ClinVar contains an entry for this variant (Variation ID: 940986). Advanced modeling of protein sequence and biophysical properties (such as structural, functional, and spatial information, amino acid conservation, physicochemical variation, residue mobility, and thermodynamic stability) performed at Invitae indicates that this missense variant is expected to disrupt PRKDC protein function. In summary, the available evidence is currently insufficient to determine the role of this variant in disease. Therefore, it has been classified as a Variant of Uncertain Significance.

NM_006904.7(PRKDC):c.7811C>T (p.Pro2604Leu)

Gene: PRKDC (protein kinase, DNA-activated, catalytic subunit; minus strand). Cytogenetic location: 8q11.21.
Variant type: single nucleotide variant.
Coding change: c.7811C>T on transcript NM_006904.7 (MANE Select); coding-DNA position 7811, C replaced by T.
Protein change: p.Pro2604Leu; replaces proline 2604 with leucine.
Molecular consequence: missense variant.
Genome position (GRCh38, 1-based): chr8:47,836,478, G>A on the plus strand (C>T on the coding strand, the complement: PRKDC is on the minus strand). VCF-style: chr8-47836478-G-A. GRCh37 (hg19) VCF-style: chr8-48749039-G-A.
Other names: c.7811C>T, p.Pro2604Leu (NM_001081640.2); short protein forms P2604L.
Identifiers: ClinVar variation 940986 (VCV000940986.7), dbSNP rs766376359, ClinGen allele CA4740009.